The following is an entry in ClinVar:

ClinVar aggregate classification (germline): Likely pathogenic. Review status: criteria provided, multiple submitters, no conflicts (2 of 4 stars). 3 submissions from 3 submitters: Likely pathogenic (2). 1 of the submissions does not count toward it. Last evaluated 2024-06-28.

Conditions:
HEMOGLOBIN CHICO.

Submissions (3):

ARUP Laboratories, Molecular Genetics and Genomics, ARUP Laboratories
Classification: Likely pathogenic. Last evaluated: 2024-06-28. Review status: criteria provided, single submitter. Criteria: ARUP Molecular Germline Variant Investigation Process 2024. Collection method: clinical testing. Allele origin: germline.
Comment: The Hb Chico variant (HBB: c.200A>C; p.Lys67Thr, also known as Lys66Thr when numbered from the mature protein, rs35939489, HbVar ID: 367) has been reported in individuals with mild anemia (HbVar database and references therein). Functional characterizations indicate that Hb Chico has reduced oxygen affinity and might be mildly unstable (Bonaventura 1991, HbVar and references therein). However, the phenotype of this variant in the presence of other alpha globin variants is unknown. This variant is absent from the Genome Aggregation Database (v2.1.1), indicating it is not a common polymorphism. Additionally, other amino acid substitutions at this codon (Lys67Asn, Lys67Ile, Lys67Glu) have been reported in heterozygous individuals with mild to moderate anemia and are considered disease causing (see HbVar IDs: 1191, 3136, 366). The lysine at residue 66 is highly conserved, and computational analyses predict that this variant is deleterious (REVEL: 0.838). Based on available information, this variant is considered to be likely pathogenic. References: Link to HbVar database: Bonaventura C et al. Involvement of the distal histidine in the low affinity exhibited by Hb Chico (Lys beta 66----Thr) and its isolated beta chains. J Biol Chem. 1991 Dec 5;266(34):23033-40. PMID: 1744099.

Quest Diagnostics Nichols Institute San Juan Capistrano
Classification: Likely pathogenic. Last evaluated: 2024-05-09. Review status: criteria provided, single submitter. Criteria: Quest Diagnostics criteria. Collection method: clinical testing. Allele origin: unknown.
Comment: The HBB c.200A>C (p.Lys67Thr) variant has been reported in the published literature in a family with mild anemia (PMID: 3429244 (1987)). Functional studies demonstrate this variant decreased oxygen affinity by 50%, increases structural rigidity, and results in a mildly unstable hemoglobin which is damaging to proper protein function (PMIDs: 3429244 (1987), 10085107 (1991), 12881463 (2003)). This variant has not been reported in large, multi-ethnic general populations (Genome Aggregation Database). Analysis of this variant using bioinformatics tools for the prediction of the effect of amino acid changes on protein structure and function yielded predictions that this variant is damaging. Based on the available information, this variant is classified as likely pathogenic.

OMIM
Classification: other for HEMOGLOBIN CHICO. Last evaluated: 2017-12-12. Review status: no assertion criteria provided. Collection method: literature only. Allele origin: germline. Not counted in ClinVar's aggregate classification.

Literature cited by the submitters: PubMed 12881463 (cited by Quest Diagnostics Nichols Institute San Juan Capistrano); PubMed 10085107 (cited by Quest Diagnostics Nichols Institute San Juan Capistrano); PubMed 3429244 (cited by Quest Diagnostics Nichols Institute San Juan Capistrano and OMIM); PubMed 19429541 (cited by Quest Diagnostics Nichols Institute San Juan Capistrano); PubMed 1744099 (cited by OMIM).

NM_000518.5(HBB):c.200A>C (p.Lys67Thr)

Genes: HBB (hemoglobin subunit beta; minus strand), LOC106099062 (HBB recombination region; plus strand), LOC107133510 (origin of replication at HBB; plus strand). Cytogenetic location: 11p15.4.
Variant type: single nucleotide variant.
Coding change: c.200A>C on transcript NM_000518.5 (MANE Select); coding-DNA position 200, A replaced by C.
Protein change: p.Lys67Thr; replaces lysine 67 with threonine.
Molecular consequence: missense variant.
Genome position (GRCh38, 1-based): chr11:5,226,692, T>G on the plus strand (A>C on the coding strand, the complement: HBB is on the minus strand). VCF-style: chr11-5226692-T-G. GRCh37 (hg19) VCF-style: chr11-5247922-T-G.
Other names: K66T; short protein forms K67T.
Identifiers: ClinVar variation 15136 (VCV000015136.12), dbSNP rs35939489, ClinGen allele CA124793.